The following is an entry in ClinVar:

ClinVar aggregate classification (germline): Conflicting classifications of pathogenicity. Review status: criteria provided, conflicting classifications (1 of 4 stars). 4 submissions from 4 submitters: Uncertain significance (3); Likely benign (1). Last evaluated 2025-08-29.

Conditions:
SETX-related disorder. Also called: SETX-related disorders; SETX-related condition. Identifiers: MedGen CN239403.
Inborn genetic diseases. Identifiers: MedGen C0950123, MeSH D030342.
Spinocerebellar ataxia, autosomal recessive, with axonal neuropathy 2 (SCAN2). Also called: Ataxia with Oculomotor Apraxia; ATAXIA-OCULOMOTOR APRAXIA 2; Ataxia-ocular apraxia-2; Ataxia with Oculomotor Apraxia Type 2. Identifiers: Orphanet 64753, MedGen C1853761, MONDO:0018996, OMIM 606002.
Amyotrophic lateral sclerosis type 4 (ALS4). Also called: NEURONOPATHY, DISTAL HEREDITARY MOTOR, WITH PYRAMIDAL FEATURES; AMYOTROPHIC LATERAL SCLEROSIS 4, JUVENILE. Identifiers: Orphanet 357043, MedGen C1865409, MONDO:0011223, OMIM 602433.

Allele frequency attached by ClinVar (database versions not stated): gnomAD exomes below 0.00001 and 0.00001; gnomAD 0.00001.
gnomAD v4.1: 20 of 1,614,078 alleles (0.0012%); highest among the groups gnomAD compares: Non-Finnish European, 0.0014%; no homozygotes.

Submissions (4):

Ambry Genetics
Classification: Likely benign for Inborn genetic diseases. Last evaluated: 2025-08-29. Review status: criteria provided, single submitter. Criteria: Ambry Variant Classification Scheme 2023. Collection method: clinical testing. Allele origin: germline.

PreventionGenetics, part of Exact Sciences
Classification: Uncertain significance for SETX-related condition. Last evaluated: 2025-07-23. Review status: criteria provided, single submitter. Criteria: ACMG Guidelines, 2015. Collection method: clinical testing. Allele origin: germline.
Comment: The SETX c.4759C>T variant is predicted to result in the amino acid substitution p.Pro1587Ser. To our knowledge, this variant has not been reported in the literature. This variant is reported in 0.0015% of alleles in individuals of European (Non-Finnish) descent in gnomAD. At this time, the clinical significance of this variant is uncertain due to the absence of conclusive functional and genetic evidence.

GeneDx
Classification: Uncertain significance. Last evaluated: 2024-03-05. Review status: criteria provided, single submitter. Criteria: GeneDx Variant Classification Process June 2021. Collection method: clinical testing. Allele origin: germline. Affected: yes.
Comment: Not observed at significant frequency in large population cohorts (gnomAD); In silico analysis supports that this missense variant does not alter protein structure/function; Has not been previously published as pathogenic or benign to our knowledge

Labcorp Genetics (formerly Invitae), Labcorp
Classification: Uncertain significance for Amyotrophic lateral sclerosis type 4; Spinocerebellar ataxia, autosomal recessive, with axonal neuropathy 2. Last evaluated: 2019-08-23. Review status: criteria provided, single submitter. Criteria: Invitae Variant Classification Sherloc (09022015). Collection method: clinical testing. Allele origin: germline.
Comment: This sequence change replaces proline with serine at codon 1587 of the SETX protein (p.Pro1587Ser). The proline residue is weakly conserved and there is a moderate physicochemical difference between proline and serine. This variant is not present in population databases (ExAC no frequency) and has not been reported in the literature in individuals with a SETX-related disease. In summary, this variant is a novel missense change that is not predicted to affect protein function. There is no indication that it causes disease, but the available evidence is currently insufficient to prove that conclusively. Therefore, it has been classified as a Variant of Uncertain Significance. Algorithms developed to predict the effect of missense changes on protein structure and function output the following: SIFT: "Tolerated"; PolyPhen-2: "Benign"; Align-GVGD: "Class C0". The serine amino acid residue is found in multiple mammalian species, suggesting that this missense change does not adversely affect protein function. These predictions have not been confirmed by published functional studies.

NM_015046.7(SETX):c.4759C>T (p.Pro1587Ser)

Gene: SETX (senataxin; minus strand). Cytogenetic location: 9q34.13.
Variant type: single nucleotide variant.
Coding change: c.4759C>T on transcript NM_015046.7 (MANE Select); coding-DNA position 4759, C replaced by T.
Protein change: p.Pro1587Ser; replaces proline 1587 with serine.
Molecular consequence: missense variant.
Genome position (GRCh38, 1-based): chr9:132,326,839, G>A on the plus strand (C>T on the coding strand, the complement: SETX is on the minus strand). VCF-style: chr9-132326839-G-A. GRCh37 (hg19) VCF-style: chr9-135202226-G-A.
Other names: c.4759C>T, p.Pro1587Ser (NM_001351527.2, NM_001351528.2); short protein forms P1587S.
Identifiers: ClinVar variation 468513 (VCV000468513.14), dbSNP rs916634082, ClinGen allele CA200806694.